The following is an entry in ClinVar:

NM_001060.6(TBXA2R):c.*841A>G

Gene: TBXA2R (thromboxane A2 receptor; minus strand). Cytogenetic location: 19p13.3.
Variant type: single nucleotide variant.
Coding change: c.*841A>G on transcript NM_001060.6 (MANE Select); 841 bases downstream of the stop codon, A replaced by G.
Molecular consequence: 3 prime UTR variant. On other transcripts: missense variant (1).
Genome position (GRCh38, 1-based): chr19:3,594,847, T>C on the plus strand (A>G on the coding strand, the complement: TBXA2R is on the minus strand). VCF-style: chr19-3594847-T-C. GRCh37 (hg19) VCF-style: chr19-3594845-T-C.
Other names: c.1213A>G, p.Arg405Gly (NM_201636.3); short protein forms R405G.
Identifiers: ClinVar variation 2682364 (VCV002682364.1), dbSNP rs1011098919, ClinGen allele CA304367601.

ClinVar aggregate classification (germline): Uncertain significance (1 of 4 stars; one submission).

Allele frequency attached by ClinVar (database versions not stated): gnomAD exomes 0.00001; TOPMed 0.00003; gnomAD 0.00004.
gnomAD v4.1: 19 of 1,536,820 alleles (0.0012%); highest among the groups gnomAD compares: Admixed American, 0.033%; no homozygotes.

Submission:

Women's Health and Genetics/Laboratory Corporation of America, LabCorp
Classification: Uncertain significance. Last evaluated: 2023-11-07. Review status: criteria provided, single submitter. Criteria: LabCorp Variant Classification Summary - May 2015. Collection method: clinical testing. Allele origin: germline.
Comment: Variant summary: TBXA2R c.*841A>G is located in the untranslated mRNA region downstream of the termination codon. The variant allele was found at a frequency of 6.2e-05 in 144146 control chromosomes. The available data on variant occurrences in the general population are insufficient to allow any conclusion about variant significance. To our knowledge, no occurrence of c.*841A>G in individuals affected with Bleeding Diathesis Due To Thromboxane Synthesis Deficiency and no experimental evidence demonstrating its impact on protein function have been reported. This variant is also observed as c.1213A>G (p.Arg405Gly) in NM_001060.6. No submitters have cited clinical-significance assessments for this variant to ClinVar after 2014. Based on the evidence outlined above, the variant was classified as uncertain significance.